The following is an entry in ClinVar:

ClinVar aggregate classification (germline): Uncertain significance (1 of 4 stars; one submission).

Conditions:
SRPRA-related disorder. Also called: SRPRA-related condition.

Submission:

PreventionGenetics, part of Exact Sciences
Classification: Uncertain significance for SRPRA-related condition. Last evaluated: 2026-06-03. Review status: criteria provided, single submitter. Criteria: ACMG Guidelines, 2015. Collection method: clinical testing. Allele origin: germline.
Comment: The SRPRA c.533A>G variant is predicted to result in the amino acid substitution p.Asp178Gly. To our knowledge, this variant has not been reported in the literature. This variant is reported in 0.040% of alleles in individuals of European (Non-Finnish) descent in gnomAD. Although we suspect that this variant may be benign, at this time, the clinical significance of this variant is uncertain due to the absence of conclusive functional and genetic evidence.

NM_003139.4(SRPRA):c.533A>G (p.Asp178Gly)

Gene: SRPRA (SRP receptor subunit alpha; minus strand). Cytogenetic location: 11q24.2.
Variant type: single nucleotide variant.
Coding change: c.533A>G on transcript NM_003139.4 (MANE Select); coding-DNA position 533, A replaced by G.
Protein change: p.Asp178Gly; replaces aspartic acid 178 with glycine.
Molecular consequence: missense variant.
Genome position (GRCh38, 1-based): chr11:126,266,916, T>C on the plus strand (A>G on the coding strand, the complement: SRPRA is on the minus strand). VCF-style: chr11-126266916-T-C. GRCh37 (hg19) VCF-style: chr11-126136811-T-C.
Other names: c.449A>G, p.Asp150Gly (NM_001177842.2); short protein forms D150G, D178G.
Identifiers: ClinVar variation 4981284 (VCV004981284.1).
Genomic context (GRCh38, chr11:126,266,916, plus strand): 5'-GGACCCACTGGAAGACCTGACTTTTCTGCAGGGACTGGTTTGCTGGTAGCCAAAGGACCA[T>C]CAGAACCTGTTGGGGAAAAAACTCACTGAAGAAAAAAGAAGACCAATCCCAACCACTAGA-3'
Protein context (NP_003130.2, residues 168-188): KKKGAKKEGS[Asp178Gly]GPLATSKPVP